The following is an entry in ClinVar:

NM_015896.4(ZMYND10):c.1168G>A (p.Glu390Lys)

Gene: ZMYND10 (zinc finger MYND-type containing 10; minus strand). Cytogenetic location: 3p21.31.
Variant type: single nucleotide variant.
Coding change: c.1168G>A on transcript NM_015896.4 (MANE Select); coding-DNA position 1168, G replaced by A.
Protein change: p.Glu390Lys; replaces glutamic acid 390 with lysine.
Molecular consequence: missense variant.
Genome position (GRCh38, 1-based): chr3:50,341,653, C>T on the plus strand (G>A on the coding strand, the complement: ZMYND10 is on the minus strand). VCF-style: chr3-50341653-C-T. GRCh37 (hg19) VCF-style: chr3-50379084-C-T.
Other names: c.1153G>A, p.Glu385Lys (NM_001308379.2); c.1168G>A (NM_015896.2); short protein forms E385K, E390K.
Identifiers: ClinVar variation 1034469 (VCV001034469.6), dbSNP rs753509882, ClinGen allele CA2416963.

ClinVar aggregate classification (germline): Uncertain significance. Review status: criteria provided, multiple submitters, no conflicts (2 of 4 stars). 2 submissions from 2 submitters: Uncertain significance (2). Last evaluated 2024-10-20.

Conditions:
Inborn genetic diseases. Identifiers: MedGen C0950123, MeSH D030342.
Primary ciliary dyskinesia. Also called: Ciliary dyskinesia. Identifiers: Orphanet 244, MedGen C0008780, MONDO:0016575, HP:0012265.

Allele frequency attached by ClinVar (database versions not stated): gnomAD exomes below 0.00001 and 0.00002; ExAC 0.00001; gnomAD 0.00001; TOPMed 0.00001.
gnomAD v4.1: 31 of 1,614,116 alleles (0.0019%); highest among the groups gnomAD compares: Non-Finnish European, 0.0024%; no homozygotes.

Submissions (2):

Ambry Genetics
Classification: Uncertain significance for Inborn genetic diseases. Last evaluated: 2024-10-20. Review status: criteria provided, single submitter. Criteria: Ambry Variant Classification Scheme 2023. Collection method: clinical testing. Allele origin: germline.

Labcorp Genetics (formerly Invitae), Labcorp
Classification: Uncertain significance for Primary ciliary dyskinesia. Last evaluated: 2020-07-16. Review status: criteria provided, single submitter. Criteria: Invitae Variant Classification Sherloc (09022015). Collection method: clinical testing. Allele origin: germline.
Comment: This sequence change replaces glutamic acid with lysine at codon 390 of the ZMYND10 protein (p.Glu390Lys). The glutamic acid residue is moderately conserved and there is a small physicochemical difference between glutamic acid and lysine. This variant is present in population databases (rs753509882, ExAC 0.002%). This variant has not been reported in the literature in individuals with ZMYND10-related conditions. Algorithms developed to predict the effect of missense changes on protein structure and function (SIFT, PolyPhen-2, Align-GVGD) all suggest that this variant is likely to be tolerated, but these predictions have not been confirmed by published functional studies and their clinical significance is uncertain. In summary, the available evidence is currently insufficient to determine the role of this variant in disease. Therefore, it has been classified as a Variant of Uncertain Significance.